The following is an entry in ClinVar:

NM_001346231.2(RELCH):c.2511G>A (p.Leu837=)

Gene: RELCH (RAB11 binding and LisH domain, coiled-coil and HEAT repeat containing; plus strand). Cytogenetic location: 18q21.33.
Variant type: single nucleotide variant.
Coding change: c.2511G>A on transcript NM_001346231.2 (MANE Select); coding-DNA position 2511, G replaced by A.
Protein change: p.Leu837=; no amino-acid change (leucine 837 retained).
Molecular consequence: synonymous variant. On other transcripts: non-coding transcript variant (9).
Genome position (GRCh38, 1-based): chr18:62,264,732, G>A. VCF-style: chr18-62264732-G-A. GRCh37 (hg19) VCF-style: chr18-59931965-G-A.
Other names: c.2511G>A, p.Leu837= (NM_001346229.2, NM_001346233.2, NM_001346234.2 and 1 more transcripts); c.2535G>A, p.Leu845= (NM_001346230.2); c.774G>A, p.Leu258= (NM_001346235.2).
Identifiers: ClinVar variation 3778256 (VCV003778256.7).

ClinVar aggregate classification (germline): Likely benign (1 of 4 stars; one submission).

gnomAD v4.1: 5 of 1,588,002 alleles (0.00031%); highest among the groups gnomAD compares: African/African-American, 0.0014%; no homozygotes.

Submission:

CeGaT Center for Human Genetics Tuebingen
Classification: Likely benign. Last evaluated: 2025-03-01. Review status: criteria provided, single submitter. Criteria: CeGaT Center For Human Genetics Tuebingen Variant Classification Criteria Version 2. Collection method: clinical testing. Allele origin: germline. Affected: yes. Observed: 1 variant allele.
Comment: RELCH: BP4, BP7